The following is an entry in ClinVar:

NM_001283009.2(RTEL1):c.230A>C (p.Gln77Pro)

Genes: RTEL1 (regulator of telomere elongation helicase 1; plus strand), RTEL1-TNFRSF6B (RTEL1-TNFRSF6B readthrough (NMD candidate); plus strand). Cytogenetic location: 20q13.33.
Variant type: single nucleotide variant.
Coding change: c.230A>C on transcript NM_001283009.2 (MANE Select); coding-DNA position 230, A replaced by C.
Protein change: p.Gln77Pro; replaces glutamine 77 with proline.
Molecular consequence: missense variant. On other transcripts: non-coding transcript variant (1), 5 prime UTR variant (1).
Genome position (GRCh38, 1-based): chr20:63,661,425, A>C. VCF-style: chr20-63661425-A-C. GRCh37 (hg19) VCF-style: chr20-62292778-A-C.
Other names: c.-440A>C (NM_001283010.1); c.230A>C, p.Gln77Pro (NM_016434.4, NM_032957.5); short protein forms Q77P.
Identifiers: ClinVar variation 3791052 (VCV003791052.1).

ClinVar aggregate classification (germline): Uncertain significance (1 of 4 stars; one submission).

Conditions:
Inborn genetic diseases. Identifiers: MedGen C0950123, MeSH D030342.

gnomAD v4.1: 1 of 1,613,656 alleles (0.000062%); highest among the groups gnomAD compares: Non-Finnish European, 0.000085%; no homozygotes.

Submission:

Ambry Genetics
Classification: Uncertain significance for Inborn genetic diseases. Last evaluated: 2025-01-10. Review status: criteria provided, single submitter. Criteria: Ambry Variant Classification Scheme 2023. Collection method: clinical testing. Allele origin: germline.
Comment: The p.Q77P variant (also known as c.230A>C), located in coding exon 2 of the RTEL1 gene, results from an A to C substitution at nucleotide position 230. The glutamine at codon 77 is replaced by proline, an amino acid with similar properties. This amino acid position is conserved. In addition, this alteration is predicted to be tolerated by in silico analysis. Based on the available evidence, the clinical significance of this variant remains unclear.